The following is an entry in ClinVar:

NM_006440.5(TXNRD2):c.1066G>A (p.Ala356Thr)

Gene: TXNRD2 (thioredoxin reductase 2; minus strand). Cytogenetic location: 22q11.21.
Variant type: single nucleotide variant.
Coding change: c.1066G>A on transcript NM_006440.5 (MANE Select); coding-DNA position 1066, G replaced by A.
Protein change: p.Ala356Thr; replaces alanine 356 with threonine.
Molecular consequence: missense variant. On other transcripts: non-coding transcript variant (1).
Genome position (GRCh38, 1-based): chr22:19,883,345, C>T on the plus strand (G>A on the coding strand, the complement: TXNRD2 is on the minus strand). VCF-style: chr22-19883345-C-T. GRCh37 (hg19) VCF-style: chr22-19870868-C-T.
Other names: c.1063G>A, p.Ala355Thr (NM_001352300.2); c.976G>A, p.Ala326Thr (NM_001352301.2); c.778G>A, p.Ala260Thr (NM_001352302.2); c.1066G>A (NM_006440.3); short protein forms A260T, A355T, A326T, A356T.
Identifiers: ClinVar variation 1407951 (VCV001407951.7), dbSNP rs576244023, ClinGen allele CA10103851.

ClinVar aggregate classification (germline): Uncertain significance. Review status: criteria provided, multiple submitters, no conflicts (2 of 4 stars). 2 submissions from 2 submitters: Uncertain significance (2). Last evaluated 2025-08-04.

Conditions:
Cardiovascular phenotype. Identifiers: MedGen CN230736.
Primary dilated cardiomyopathy (DCM). Also called: Dilated Cardiomyopathy. Identifiers: Orphanet 217604, MedGen C0007193, MeSH D002311, MONDO:0005021, HP:0001644. Inheritance: Various modes of inheritance.

Allele frequency attached by ClinVar (database versions not stated): TOPMed 0.00002; gnomAD 0.00003; ExAC 0.00004; 1000 Genomes Project 30x 0.00062; 1000 Genomes Project 0.00080.
gnomAD v4.1: 36 of 1,613,908 alleles (0.0022%); highest among the groups gnomAD compares: South Asian, 0.035%; no homozygotes.

Submissions (2):

Ambry Genetics
Classification: Uncertain significance for Cardiovascular phenotype. Last evaluated: 2025-08-04. Review status: criteria provided, single submitter. Criteria: Ambry Variant Classification Scheme 2023. Collection method: clinical testing. Allele origin: germline.

Labcorp Genetics (formerly Invitae), Labcorp
Classification: Uncertain significance for Primary dilated cardiomyopathy. Last evaluated: 2023-02-15. Review status: criteria provided, single submitter. Criteria: Invitae Variant Classification Sherloc (09022015). Collection method: clinical testing. Allele origin: germline.
Comment: In summary, the available evidence is currently insufficient to determine the role of this variant in disease. Therefore, it has been classified as a Variant of Uncertain Significance. Advanced modeling of protein sequence and biophysical properties (such as structural, functional, and spatial information, amino acid conservation, physicochemical variation, residue mobility, and thermodynamic stability) performed at Invitae indicates that this missense variant is expected to disrupt TXNRD2 protein function. This sequence change replaces alanine, which is neutral and non-polar, with threonine, which is neutral and polar, at codon 356 of the TXNRD2 protein (p.Ala356Thr). This variant is present in population databases (rs576244023, gnomAD 0.02%). This variant has not been reported in the literature in individuals affected with TXNRD2-related conditions. ClinVar contains an entry for this variant (Variation ID: 1407951).